The following is an entry in ClinVar:

ClinVar aggregate classification (germline): Pathogenic (1 of 4 stars; one submission).

Submission:

Labcorp Genetics (formerly Invitae), Labcorp
Classification: Pathogenic. Last evaluated: 2022-06-27. Review status: criteria provided, single submitter. Criteria: Invitae Variant Classification Sherloc (09022015). Collection method: clinical testing. Allele origin: germline.
Comment: For these reasons, this variant has been classified as Pathogenic. This variant has not been reported in the literature in individuals affected with LAMB3-related conditions. This variant is not present in population databases (gnomAD no frequency). This sequence change creates a premature translational stop signal (p.Arg887Alafs*6) in the LAMB3 gene. It is expected to result in an absent or disrupted protein product. Loss-of-function variants in LAMB3 are known to be pathogenic (PMID: 11023379, 16473856).

Literature cited by the submitters: PubMed 11023379; PubMed 16473856.

NM_000228.3(LAMB3):c.2606_2658dup (p.Arg887delinsAlaTrpArgProArgTer)

Gene: LAMB3 (laminin subunit beta 3; minus strand). Cytogenetic location: 1q32.2.
Variant type: Duplication.
Coding change: c.2606_2658dup on transcript NM_000228.3 (MANE Select); coding-DNA positions 2606 to 2658, 53 bases duplicated.
Protein change: p.Arg887delinsAlaTrpArgProArgTer.
Molecular consequence: nonsense.
Genome position (GRCh38, 1-based): chr1:209,622,579-209,622,631, 53 bases duplicated. GRCh37 (hg19): chr1:209,795,924-209,795,976.
Other names: c.2606_2658dup, p.Arg887delinsAlaTrpArgProArgTer (NM_001017402.2, NM_001127641.1).
Identifiers: ClinVar variation 2011333 (VCV002011333.4), dbSNP rs2464785989, ClinGen allele CA2580062001.